The following is an entry in ClinVar:

NM_080680.3(COL11A2):c.967dup (p.Thr323fs)

Gene: COL11A2 (collagen type XI alpha 2 chain; minus strand). Cytogenetic location: 6p21.32.
Variant type: Duplication.
Coding change: c.967dup on transcript NM_080680.3 (MANE Select); coding-DNA position 967, one base duplicated (A; older notation c.967dupA).
Protein change: p.Thr323fs; shifts the reading frame from threonine 323.
Molecular consequence: frameshift variant. On other transcripts: intron variant (2).
Genome position (GRCh38, 1-based): chr6:33,184,297, T duplicated on the plus strand (A on the coding strand, the reverse complement: COL11A2 is on the minus strand). VCF-style (leftmost placement, unchanged base first): chr6-33184296-G-GT. GRCh37 (hg19) VCF-style: chr6-33152073-G-GT.
Other names: c.798+2330dup (NM_080679.3); c.861+695dup (NM_080681.3); short protein forms T323fs.
Identifiers: ClinVar variation 1452367 (VCV001452367.7), dbSNP rs774545390, ClinGen allele CA3751499.

ClinVar aggregate classification (germline): Conflicting classifications of pathogenicity. Review status: criteria provided, conflicting classifications (1 of 4 stars). 2 submissions from 2 submitters: Pathogenic (1); Uncertain significance (1). Last evaluated 2024-03-25.

Conditions:
Otospondylomegaepiphyseal dysplasia, autosomal dominant (OSMEDA). Also called: COL11A2-Related Stickler Syndrome; Pierre Robin syndrome with fetal chondrodysplasia; Stickler syndrome, type 3. Identifiers: Orphanet 166100, Orphanet 3450, MedGen C1848488, MONDO:0008490, OMIM 184840.

Allele frequency attached by ClinVar (database versions not stated): gnomAD exomes below 0.00001; ExAC 0.00001.

Submissions (2):

Genomic Medicine Center of Excellence, King Faisal Specialist Hospital and Research Centre
Classification: Uncertain significance for Otospondylomegaepiphyseal dysplasia, autosomal dominant. Last evaluated: 2024-03-25. Review status: criteria provided, single submitter. Criteria: ACMG Guidelines, 2015. Collection method: clinical testing. Allele origin: germline.

Labcorp Genetics (formerly Invitae), Labcorp
Classification: Pathogenic. Last evaluated: 2021-08-11. Review status: criteria provided, single submitter. Criteria: Invitae Variant Classification Sherloc (09022015). Collection method: clinical testing. Allele origin: germline.
Comment: For these reasons, this variant has been classified as Pathogenic. This variant has not been reported in the literature in individuals affected with COL11A2-related conditions. This variant is present in population databases (rs774545390, ExAC 0.006%). This sequence change creates a premature translational stop signal (p.Thr323Asnfs*19) in the COL11A2 gene. It is expected to result in an absent or disrupted protein product. Loss-of-function variants in COL11A2 are known to be pathogenic (PMID: 10677296, 21204229).

Literature cited by the submitters: PubMed 10677296 (cited by Labcorp Genetics (formerly Invitae), Labcorp); PubMed 21204229 (cited by Labcorp Genetics (formerly Invitae), Labcorp).